The following is an entry in ClinVar:

ClinVar aggregate classification (germline): Uncertain significance (1 of 4 stars; one submission).

Allele frequency attached by ClinVar (database versions not stated): TOPMed below 0.00001; ExAC 0.00001; gnomAD exomes 0.00001.
gnomAD v4.1: 4 of 1,611,978 alleles (0.00025%); highest among the groups gnomAD compares: African/African-American, 0.0013%; no homozygotes.

Submission:

Labcorp Genetics (formerly Invitae), Labcorp
Classification: Uncertain significance. Last evaluated: 2023-12-11. Review status: criteria provided, single submitter. Criteria: Invitae Variant Classification Sherloc (09022015). Collection method: clinical testing. Allele origin: germline.
Comment: This sequence change replaces isoleucine, which is neutral and non-polar, with threonine, which is neutral and polar, at codon 493 of the CKAP2L protein (p.Ile493Thr). This variant is present in population databases (rs761038617, gnomAD 0.0009%). This variant has not been reported in the literature in individuals affected with CKAP2L-related conditions. ClinVar contains an entry for this variant (Variation ID: 1914090). Advanced modeling of protein sequence and biophysical properties (such as structural, functional, and spatial information, amino acid conservation, physicochemical variation, residue mobility, and thermodynamic stability) has been performed at Invitae for this missense variant, however the output from this modeling did not meet the statistical confidence thresholds required to predict the impact of this variant on CKAP2L protein function. In summary, the available evidence is currently insufficient to determine the role of this variant in disease. Therefore, it has been classified as a Variant of Uncertain Significance.

NM_152515.5(CKAP2L):c.1478T>C (p.Ile493Thr)

Gene: CKAP2L (cytoskeleton associated protein 2 like; minus strand). Cytogenetic location: 2q14.1.
Variant type: single nucleotide variant.
Coding change: c.1478T>C on transcript NM_152515.5 (MANE Select); coding-DNA position 1478, T replaced by C.
Protein change: p.Ile493Thr; replaces isoleucine 493 with threonine.
Molecular consequence: missense variant. On other transcripts: non-coding transcript variant (1).
Genome position (GRCh38, 1-based): chr2:112,752,391, A>G on the plus strand (T>C on the coding strand, the complement: CKAP2L is on the minus strand). VCF-style: chr2-112752391-A-G. GRCh37 (hg19) VCF-style: chr2-113509968-A-G.
Other names: c.983T>C, p.Ile328Thr (NM_001304361.2); short protein forms I493T, I328T.
Identifiers: ClinVar variation 1914090 (VCV001914090.5), dbSNP rs761038617, ClinGen allele CA1836640.